The following is an entry in ClinVar:

ClinVar aggregate classification (germline): Likely benign. Review status: criteria provided, single submitter (1 of 4 stars). 2 submissions from 2 submitters: Likely benign (1). 1 of the submissions does not count toward it. Last evaluated 2025-09-30.

Conditions:
COA3-related disorder. Also called: COA3-related condition.

Allele frequency attached by ClinVar (database versions not stated): TOPMed 0.00030; gnomAD 0.00065; gnomAD exomes 0.00072; ESP Exome Variant Server 0.00077; ExAC 0.00085.
gnomAD v4.1: 1,129 of 1,614,032 alleles (0.07%); highest among the groups gnomAD compares: Non-Finnish European, 0.065%; 1 homozygote.

Submissions (2):

Labcorp Genetics (formerly Invitae), Labcorp
Classification: Likely benign. Last evaluated: 2025-09-30. Review status: criteria provided, single submitter. Criteria: Invitae Variant Classification Sherloc (09022015). Collection method: clinical testing. Allele origin: germline.

PreventionGenetics, part of Exact Sciences
Classification: Likely benign for COA3-related condition. Last evaluated: 2020-01-13. Review status: no assertion criteria provided. Collection method: clinical testing. Allele origin: germline. Not counted in ClinVar's aggregate classification.
Comment: This variant is classified as likely benign based on ACMG/AMP sequence variant interpretation guidelines (Richards et al. 2015 PMID: 25741868, with internal and published modifications).

NM_001040431.3(COA3):c.265G>A (p.Glu89Lys)

Gene: COA3 (cytochrome c oxidase assembly factor 3; minus strand). Cytogenetic location: 17q21.2.
Variant type: single nucleotide variant.
Coding change: c.265G>A on transcript NM_001040431.3 (MANE Select); coding-DNA position 265, G replaced by A.
Protein change: p.Glu89Lys; replaces glutamic acid 89 with lysine.
Molecular consequence: missense variant.
Genome position (GRCh38, 1-based): chr17:42,798,117, C>T on the plus strand (G>A on the coding strand, the complement: COA3 is on the minus strand). VCF-style: chr17-42798117-C-T. GRCh37 (hg19) VCF-style: chr17-40950135-C-T.
Other names: c.265G>A (NM_001040431.2); short protein forms E89K.
Identifiers: ClinVar variation 2081591 (VCV002081591.6), dbSNP rs61757405, ClinGen allele CA8584736.